The following is an entry in ClinVar:

NM_201384.3(PLEC):c.4515C>G (p.Asp1505Glu)

Gene: PLEC (plectin; minus strand). Cytogenetic location: 8q24.3.
Variant type: single nucleotide variant.
Coding change: c.4515C>G on transcript NM_201384.3 (MANE Select); coding-DNA position 4515, C replaced by G.
Protein change: p.Asp1505Glu; replaces aspartic acid 1505 with glutamic acid.
Molecular consequence: missense variant.
Genome position (GRCh38, 1-based): chr8:143,925,414, G>C on the plus strand (C>G on the coding strand, the complement: PLEC is on the minus strand). VCF-style: chr8-143925414-G-C. GRCh37 (hg19) VCF-style: chr8-144999582-G-C.
Other names: c.4596C>G, p.Asp1532Glu (NM_000445.5); c.4473C>G, p.Asp1491Glu (NM_201378.4); c.4449C>G, p.Asp1483Glu (NM_201379.3); c.4926C>G, p.Asp1642Glu (NM_201380.4); c.4419C>G, p.Asp1473Glu (NM_201381.3); c.4515C>G, p.Asp1505Glu (NM_201382.4); c.4527C>G, p.Asp1509Glu (NM_201383.3); c.4596C>G (NM_000445.3); short protein forms D1505E, D1483E, D1642E, D1473E, D1491E, D1509E, D1532E.
Identifiers: ClinVar variation 594365 (VCV000594365.15), dbSNP rs375697033, ClinGen allele CA4926636.

ClinVar aggregate classification (germline): Uncertain significance. Review status: criteria provided, multiple submitters, no conflicts (2 of 4 stars). 4 submissions from 4 submitters: Uncertain significance (4). Last evaluated 2025-01-29.

Conditions:
Inborn genetic diseases. Identifiers: MedGen C0950123, MeSH D030342.
Epidermolysis bullosa simplex 5B, with muscular dystrophy (EBS5B). Also called: Epidermolysis bullosa simplex with muscular dystrophy; EPIDERMOLYSIS BULLOSA SIMPLEX AND LIMB-GIRDLE MUSCULAR DYSTROPHY. Identifiers: Orphanet 257, MedGen C2931072, MONDO:0009181, OMIM 226670.
Epidermolysis bullosa simplex, Ogna type (EBS5A). Also called: Pidermolysis bullosa simplex 5A, Ogna type; EPIDERMOLYSIS BULLOSA SIMPLEX 5A, OGNA TYPE. Identifiers: Orphanet 79401, MedGen C0432317, MONDO:0007555, OMIM 131950.
Epidermolysis bullosa simplex with nail dystrophy (EBS5D). Identifiers: MedGen C4225309, MONDO:0014661, OMIM 616487.
Autosomal recessive limb-girdle muscular dystrophy type 2Q (LGMDR17). Also called: MUSCULAR DYSTROPHY, LIMB-GIRDLE, AUTOSOMAL RECESSIVE 17. Identifiers: Orphanet 254361, MedGen C3150989, MONDO:0013390, OMIM 613723.
Epidermolysis bullosa simplex 5C, with pyloric atresia (EBS5C). Also called: PLEC-Related Epidermolysis Bullosa with Pyloric Atresia; Epidermolysis bullosa simplex with pyloric atresia; PLEC1-Related Epidermolysis Bullosa with Pyloric Atresia. Identifiers: Orphanet 158684, MedGen C2677349, MONDO:0012807, OMIM 612138.

Allele frequency attached by ClinVar (database versions not stated): TOPMed 0.00010; 1000 Genomes Project 30x 0.00016.

Submissions (4):

Labcorp Genetics (formerly Invitae), Labcorp
Classification: Uncertain significance for Autosomal recessive limb-girdle muscular dystrophy type 2Q; Epidermolysis bullosa simplex, Ogna type; Epidermolysis bullosa simplex with nail dystrophy; Epidermolysis bullosa simplex 5C, with pyloric atresia; Epidermolysis bullosa simplex 5B, with muscular dystrophy. Last evaluated: 2025-01-29. Review status: criteria provided, single submitter. Criteria: Invitae Variant Classification Sherloc (09022015). Collection method: clinical testing. Allele origin: germline.
Comment: This sequence change replaces aspartic acid, which is acidic and polar, with glutamic acid, which is acidic and polar, at codon 1532 of the PLEC protein (p.Asp1532Glu). This variant is present in population databases (rs375697033, gnomAD 0.04%). This variant has not been reported in the literature in individuals affected with PLEC-related conditions. ClinVar contains an entry for this variant (Variation ID: 594365). Invitae Evidence Modeling of protein sequence and biophysical properties (such as structural, functional, and spatial information, amino acid conservation, physicochemical variation, residue mobility, and thermodynamic stability) indicates that this missense variant is not expected to disrupt PLEC protein function with a negative predictive value of 80%. In summary, the available evidence is currently insufficient to determine the role of this variant in disease. Therefore, it has been classified as a Variant of Uncertain Significance.

Ambry Genetics
Classification: Uncertain significance for Inborn genetic diseases. Last evaluated: 2022-05-18. Review status: criteria provided, single submitter. Criteria: Ambry Variant Classification Scheme 2023. Collection method: clinical testing. Allele origin: germline.

Revvity Omics, Revvity
Classification: Uncertain significance. Last evaluated: 2021-11-24. Review status: criteria provided, single submitter. Criteria: ACMG Guidelines, 2015. Collection method: clinical testing. Allele origin: germline.

Eurofins Ntd Llc (ga)
Classification: Uncertain significance. Last evaluated: 2017-10-05. Review status: criteria provided, single submitter. Criteria: EGL Classification Definitions 2015. Collection method: clinical testing. Allele origin: germline. Observed: 1 variant allele, 1 heterozygote.